The following is an entry in ClinVar:

NM_002860.4(ALDH18A1):c.1292C>A (p.Ser431Tyr)

Gene: ALDH18A1 (aldehyde dehydrogenase 18 family member A1; minus strand). Cytogenetic location: 10q24.1.
Variant type: single nucleotide variant.
Coding change: c.1292C>A on transcript NM_002860.4 (MANE Select); coding-DNA position 1292, C replaced by A.
Protein change: p.Ser431Tyr; replaces serine 431 with tyrosine.
Molecular consequence: missense variant.
Genome position (GRCh38, 1-based): chr10:95,621,206, G>T on the plus strand (C>A on the coding strand, the complement: ALDH18A1 is on the minus strand). VCF-style: chr10-95621206-G-T. GRCh37 (hg19) VCF-style: chr10-97380963-G-T.
Other names: c.1286C>A, p.Ser429Tyr (NM_001017423.2, NM_001323415.2); c.959C>A, p.Ser320Tyr (NM_001323412.2, NM_001323416.2); c.1292C>A, p.Ser431Tyr (NM_001323413.2, NM_001323414.2); c.1187C>A, p.Ser396Tyr (NM_001323417.2); c.953C>A, p.Ser318Tyr (NM_001323418.2); c.656C>A, p.Ser219Tyr (NM_001323419.2); short protein forms S318Y, S431Y, S396Y, S320Y, S219Y, S429Y.
Identifiers: ClinVar variation 2122456 (VCV002122456.4), dbSNP rs2526781447, ClinGen allele CA377701733.

ClinVar aggregate classification (germline): Uncertain significance (1 of 4 stars; one submission).

Conditions:
Cutis laxa, autosomal dominant 3 (ADCL3). Identifiers: Orphanet 90348, MedGen C4225268, MONDO:0014706, OMIM 616603.
Autosomal dominant spastic paraplegia type 9. Identifiers: MedGen C1832669, MONDO:0015091.
de Barsy syndrome. Also called: Cutis laxa-corneal clouding-oligophrenia syndrome. Identifiers: Orphanet 2962, MedGen C0268354, MONDO:0017569.

Submission:

Labcorp Genetics (formerly Invitae), Labcorp
Classification: Uncertain significance for Autosomal dominant spastic paraplegia type 9; de Barsy syndrome; Cutis laxa, autosomal dominant 3. Last evaluated: 2023-12-11. Review status: criteria provided, single submitter. Criteria: Invitae Variant Classification Sherloc (09022015). Collection method: clinical testing. Allele origin: germline.
Comment: This sequence change replaces serine, which is neutral and polar, with tyrosine, which is neutral and polar, at codon 431 of the ALDH18A1 protein (p.Ser431Tyr). This variant is not present in population databases (gnomAD no frequency). This variant has not been reported in the literature in individuals affected with ALDH18A1-related conditions. ClinVar contains an entry for this variant (Variation ID: 2122456). Advanced modeling of protein sequence and biophysical properties (such as structural, functional, and spatial information, amino acid conservation, physicochemical variation, residue mobility, and thermodynamic stability) has been performed at Invitae for this missense variant, however the output from this modeling did not meet the statistical confidence thresholds required to predict the impact of this variant on ALDH18A1 protein function. In summary, the available evidence is currently insufficient to determine the role of this variant in disease. Therefore, it has been classified as a Variant of Uncertain Significance.